The following is an entry in ClinVar:

NM_144498.4(OSBPL2):c.670C>G (p.Leu224Val)

Gene: OSBPL2 (oxysterol binding protein like 2; plus strand). Cytogenetic location: 20q13.33.
Variant type: single nucleotide variant.
Coding change: c.670C>G on transcript NM_144498.4 (MANE Select); coding-DNA position 670, C replaced by G.
Protein change: p.Leu224Val; replaces leucine 224 with valine.
Molecular consequence: missense variant.
Genome position (GRCh38, 1-based): chr20:62,279,335, C>G. VCF-style: chr20-62279335-C-G. GRCh37 (hg19) VCF-style: chr20-60854391-C-G.
Other names: c.394C>G, p.Leu132Val (NM_001278649.3, NM_001363878.2); c.634C>G, p.Leu212Val (NM_014835.5); short protein forms L132V, L212V, L224V.
Identifiers: ClinVar variation 4985504 (VCV004985504.1).

ClinVar aggregate classification (germline): Uncertain significance (1 of 4 stars; one submission).

Conditions:
OSBPL2-related disorder. Also called: OSBPL2-related condition.

Submission:

PreventionGenetics, part of Exact Sciences
Classification: Uncertain significance for OSBPL2-related condition. Last evaluated: 2026-03-23. Review status: criteria provided, single submitter. Criteria: ACMG Guidelines, 2015. Collection method: clinical testing. Allele origin: germline.
Comment: The OSBPL2 c.670C>G variant is predicted to result in the amino acid substitution p.Leu224Val. To our knowledge, this variant has not been reported in the literature or in a large population database (gnomAD), indicating this variant is rare. At this time, the clinical significance of this variant is uncertain due to the absence of conclusive functional and genetic evidence.